The following is an entry in ClinVar:

ClinVar aggregate classification (germline): Pathogenic (1 of 4 stars; one submission).

Submission:

GeneDx
Classification: Pathogenic. Last evaluated: 2017-08-10. Review status: criteria provided, single submitter. Criteria: GeneDx Variant Classification (06012015). Collection method: clinical testing. Allele origin: germline. Affected: yes.
Comment: The c.2769dupC variant in the SMC1A gene has not been reported previously as a pathogenic variant nor as a benign variant, to our knowledge. The c.2769dupC variant causes a frameshift starting with codon Serine 924, changes this amino acid to a Glutamine residue, and creates a premature Stop codon at position 2 of the new reading frame, denoted p.Ser924GlnfsX2. This variant is predicted to cause loss of normal protein function either through protein truncation or nonsense-mediated mRNA decay. The c.2769dupC variant is not observed in large population cohorts (Lek et al., 2016; 1000 Genomes Consortium et al., 2015; Exome Variant Server). We interpret c.2769dupC as a pathogenic variant.

NM_006306.4(SMC1A):c.2769dup (p.Ser924fs)

Gene: SMC1A (structural maintenance of chromosomes 1A; minus strand). Cytogenetic location: Xp11.22.
Variant type: Duplication.
Coding change: c.2769dup on transcript NM_006306.4 (MANE Select); coding-DNA position 2769, one base duplicated (C; older notation c.2769dupC).
Protein change: p.Ser924fs; shifts the reading frame from serine 924.
Molecular consequence: frameshift variant.
Genome position (GRCh38, 1-based): chrX:53,396,320, G duplicated on the plus strand (C on the coding strand, the reverse complement: SMC1A is on the minus strand). VCF-style (leftmost placement, unchanged base first): chrX-53396319-T-TG. GRCh37 (hg19) VCF-style: chrX-53423239-T-TG.
Other names: c.2703dup, p.Ser902fs (NM_001281463.1); short protein forms S924fs, S902fs.
Identifiers: ClinVar variation 451244 (VCV000451244.2), dbSNP rs1556888010, ClinGen allele CA658658994.